The following is an entry in ClinVar:

NM_001329630.2(PLEKHA7):c.3303G>A (p.Thr1101=)

Gene: PLEKHA7 (pleckstrin homology domain containing A7; minus strand). Cytogenetic location: 11p15.2.
Variant type: single nucleotide variant.
Coding change: c.3303G>A on transcript NM_001329630.2 (MANE Select); coding-DNA position 3303, G replaced by A.
Protein change: p.Thr1101=; no amino-acid change (threonine 1101 retained).
Molecular consequence: synonymous variant.
Genome position (GRCh38, 1-based): chr11:16,789,150, C>T on the plus strand (G>A on the coding strand, the complement: PLEKHA7 is on the minus strand). VCF-style: chr11-16789150-C-T. GRCh37 (hg19) VCF-style: chr11-16810697-C-T.
Other names: c.3306G>A, p.Thr1102= (NM_001329631.2, NM_001410960.1); c.3303G>A, p.Thr1101= (NM_175058.5).
Identifiers: ClinVar variation 3047750 (VCV003047750.2), dbSNP rs372525564, ClinGen allele CA5898805.
Genomic context (GRCh38, chr11:16,789,150, plus strand): 5'-ACATACTGAGCCAAGATCTCCAGGGAGCGGCCGGCTGAGGTAGCGAGATGAGGGCAGGCC[C>T]GTCCTCTCCCCTTGGCCCAGTGTCCTCTTGCGCTCTCGGACCAGGGCCTTCTGGTGTCGC-3'
Protein context (NP_001316559.1, residues 1091-1111): RKRTLGQGER[Thr1101=]GLPSSRYLSR

ClinVar aggregate classification (germline): Likely benign (0 of 4 stars; one submission).

Conditions:
PLEKHA7-related disorder. Also called: PLEKHA7-related condition.

Allele frequency attached by ClinVar (database versions not stated): ExAC 0.00001; ESP Exome Variant Server 0.00008.
gnomAD v4.1: 125 of 1,610,800 alleles (0.0078%); highest among the groups gnomAD compares: Non-Finnish European, 0.01%; no homozygotes.

Submission:

PreventionGenetics, part of Exact Sciences
Classification: Likely benign for PLEKHA7-related condition. Last evaluated: 2021-12-27. Review status: no assertion criteria provided. Collection method: clinical testing. Allele origin: germline.
Comment: This variant is classified as likely benign based on ACMG/AMP sequence variant interpretation guidelines (Richards et al. 2015 PMID: 25741868, with internal and published modifications).